The following is an entry in ClinVar:

NM_000288.4(PEX7):c.418-3T>C

Gene: PEX7 (peroxisomal biogenesis factor 7; plus strand). Cytogenetic location: 6q23.3.
Variant type: single nucleotide variant.
Coding change: c.418-3T>C on transcript NM_000288.4 (MANE Select); 3 bases into the intron before coding-DNA position 418, T replaced by C.
Molecular consequence: intron variant.
Genome position (GRCh38, 1-based): chr6:136,846,070, T>C. VCF-style: chr6-136846070-T-C. GRCh37 (hg19) VCF-style: chr6-137167208-T-C.
Other names: c.418-3T>C (NM_000288.3).
Identifiers: ClinVar variation 1039835 (VCV001039835.8), dbSNP rs770117560, ClinGen allele CA4017612.

ClinVar aggregate classification (germline): Uncertain significance. Review status: criteria provided, single submitter (1 of 4 stars). 3 submissions from 3 submitters: Uncertain significance (1). 2 of the submissions do not count toward it. Last evaluated 2021-08-27.

Conditions:
Rhizomelic chondrodysplasia punctata (RCDP). Identifiers: Orphanet 177, MedGen C0282529, MONDO:0015776. Disease mechanism: loss of function.
Peroxisome biogenesis disorder 9B. Also called: PEX7-Related Refsum Disease; PEROXISOME BIOGENESIS DISORDER, PEX7-RELATED, ATYPICAL; Refsum disease, adult, 2. Identifiers: Orphanet 773, MedGen C2749346, MONDO:0013945, OMIM 614879.
PEX7-related disorder. Also called: PEX7-related condition; PEX7-related disorders. Identifiers: MedGen CN239409.

Allele frequency attached by ClinVar (database versions not stated): gnomAD exomes 0.00001 and below 0.00001; gnomAD 0.00006; ExAC 0.00003; TOPMed 0.00006.
gnomAD v4.1: 11 of 1,581,074 alleles (0.0007%); highest among the groups gnomAD compares: African/African-American, 0.013%; no homozygotes.

Submissions (3):

Labcorp Genetics (formerly Invitae), Labcorp
Classification: Uncertain significance for Peroxisome biogenesis disorder 9B. Last evaluated: 2021-08-27. Review status: criteria provided, single submitter. Criteria: Invitae Variant Classification Sherloc (09022015). Collection method: clinical testing. Allele origin: germline.
Comment: This sequence change falls in intron 4 of the PEX7 gene. It does not directly change the encoded amino acid sequence of the PEX7 protein. It affects a nucleotide within the consensus splice site of the intron. This variant is present in population databases (rs770117560, ExAC 0.02%). This variant has not been reported in the literature in individuals affected with PEX7-related conditions. Variants that disrupt the consensus splice site are a relatively common cause of aberrant splicing (PMID: 17576681, 9536098). Algorithms developed to predict the effect of sequence changes on RNA splicing suggest that this variant is not likely to affect RNA splicing. In summary, the available evidence is currently insufficient to determine the role of this variant in disease. Therefore, it has been classified as a Variant of Uncertain Significance.

PreventionGenetics, part of Exact Sciences
Classification: Likely benign for PEX7-related condition. Last evaluated: 2023-05-03. Review status: no assertion criteria provided. Collection method: clinical testing. Allele origin: germline. Not counted in ClinVar's aggregate classification.
Comment: This variant is classified as likely benign based on ACMG/AMP sequence variant interpretation guidelines (Richards et al. 2015 PMID: 25741868, with internal and published modifications).

Natera, Inc.
Classification: Uncertain significance for Rhizomelic Chondrodysplasia Punctata. Last evaluated: 2020-12-01. Review status: no assertion criteria provided. Collection method: clinical testing. Allele origin: germline. Not counted in ClinVar's aggregate classification.

Literature cited by the submitters: PubMed 17576681 (cited by Labcorp Genetics (formerly Invitae), Labcorp); PubMed 9536098 (cited by Labcorp Genetics (formerly Invitae), Labcorp).